The following is an entry in ClinVar:

ClinVar aggregate classification (germline): Benign. Review status: criteria provided, multiple submitters, no conflicts (2 of 4 stars). 3 submissions from 3 submitters: Benign (3). Last evaluated 2016-09-23.

Allele frequency attached by ClinVar (database versions not stated): 1000 Genomes Project 0.29333; TOPMed 0.36479; ExAC 0.37121; ESP Exome Variant Server 0.37952; gnomAD exomes 0.37913 and 0.39791; 1000 Genomes Project 30x 0.29950; gnomAD 0.36655 and 0.37123.

Submissions (3):

GeneDx
Classification: Benign. Last evaluated: 2016-09-23. Review status: criteria provided, single submitter. Criteria: GeneDx Variant Classification (06012015). Collection method: clinical testing. Allele origin: germline. Affected: yes.
Comment: This variant is considered likely benign or benign based on one or more of the following criteria: it is a conservative change, it occurs at a poorly conserved position in the protein, it is predicted to be benign by multiple in silico algorithms, and/or has population frequency not consistent with disease.

Laboratory for Molecular Medicine, Mass General Brigham Personalized Medicine
Classification: Benign. Last evaluated: 2014-11-24. Review status: criteria provided, single submitter. Criteria: LMM Criteria. Collection method: clinical testing. Allele origin: germline. Observed: 341 variant alleles.
Comment: Arg332Arg in exon 2 of MURC: This variant is not expected to have clinical signi ficance because it does not alter an amino acid residue and is not located withi n the splice consensus sequence. It has been identified in 41.7% (3583/8600) of European American chromosomes from a broad population by the NHLBI Exome Sequenc ing Project (dbSNP rs2780956).

Breakthrough Genomics
Classification: Benign. Review status: criteria provided, single submitter. Criteria: ACMG Guidelines, 2015. Collection method: not provided. Allele origin: germline. Inheritance: Unknown mechanism. Affected: yes.

NM_001018116.2(CAVIN4):c.996G>A (p.Arg332=)

Gene: CAVIN4 (caveolae associated protein 4; plus strand). Cytogenetic location: 9q31.1.
Variant type: single nucleotide variant.
Coding change: c.996G>A on transcript NM_001018116.2 (MANE Select); coding-DNA position 996, G replaced by A.
Protein change: p.Arg332=; no amino-acid change (arginine 332 retained).
Molecular consequence: synonymous variant.
Genome position (GRCh38, 1-based): chr9:100,586,352, G>A. VCF-style: chr9-100586352-G-A. GRCh37 (hg19) VCF-style: chr9-103348634-G-A.
Identifiers: ClinVar variation 226743 (VCV000226743.5), dbSNP rs2780956, ClinGen allele CA5160213.